The following is an entry in ClinVar:

NM_001114753.3(ENG):c.854A>G (p.Lys285Arg)

Gene: ENG (endoglin; minus strand). Cytogenetic location: 9q34.11.
Variant type: single nucleotide variant.
Coding change: c.854A>G on transcript NM_001114753.3 (MANE Select); coding-DNA position 854, A replaced by G.
Protein change: p.Lys285Arg; replaces lysine 285 with arginine.
Molecular consequence: missense variant.
Genome position (GRCh38, 1-based): chr9:127,824,937, T>C on the plus strand (A>G on the coding strand, the complement: ENG is on the minus strand). VCF-style: chr9-127824937-T-C. GRCh37 (hg19) VCF-style: chr9-130587216-T-C.
Other names: c.854A>G, p.Lys285Arg (NM_000118.4, NM_001406715.1); c.308A>G, p.Lys103Arg (NM_001278138.2); short protein forms K103R, K285R.
Identifiers: ClinVar variation 2182776 (VCV002182776.4), dbSNP rs2539073183, ClinGen allele CA374982694.

ClinVar aggregate classification (germline): Uncertain significance (1 of 4 stars; one submission).

Conditions:
Hereditary hemorrhagic telangiectasia (HHT). Also called: ORW DISEASE; Osler Weber Rendu syndrome; OSLER-RENDU-WEBER DISEASE; Osler hemorrhagic telangiectasia syndrome. Identifiers: Orphanet 774, MedGen C0039445, MONDO:0019180. Disease mechanism: loss of function.

Allele frequency attached by ClinVar (database versions not stated): gnomAD exomes below 0.00001.

Submission:

Labcorp Genetics (formerly Invitae), Labcorp
Classification: Uncertain significance for Hereditary hemorrhagic telangiectasia. Last evaluated: 2023-10-20. Review status: criteria provided, single submitter. Criteria: Invitae Variant Classification Sherloc (09022015). Collection method: clinical testing. Allele origin: germline.
Comment: This sequence change replaces lysine, which is basic and polar, with arginine, which is basic and polar, at codon 285 of the ENG protein (p.Lys285Arg). This variant is not present in population databases (gnomAD no frequency). This variant has not been reported in the literature in individuals affected with ENG-related conditions. ClinVar contains an entry for this variant (Variation ID: 2182776). Advanced modeling of protein sequence and biophysical properties (such as structural, functional, and spatial information, amino acid conservation, physicochemical variation, residue mobility, and thermodynamic stability) performed at Invitae indicates that this missense variant is not expected to disrupt ENG protein function. In summary, the available evidence is currently insufficient to determine the role of this variant in disease. Therefore, it has been classified as a Variant of Uncertain Significance.